The following is an entry in ClinVar:

NM_001330078.2(NRXN1):c.1262G>T (p.Ser421Ile)

Gene: NRXN1 (neurexin 1; minus strand). Cytogenetic location: 2p16.3.
Variant type: single nucleotide variant.
Coding change: c.1262G>T on transcript NM_001330078.2 (MANE Select); coding-DNA position 1262, G replaced by T.
Protein change: p.Ser421Ile; replaces serine 421 with isoleucine.
Molecular consequence: missense variant.
Genome position (GRCh38, 1-based): chr2:50,620,080, C>A on the plus strand (G>T on the coding strand, the complement: NRXN1 is on the minus strand). VCF-style: chr2-50620080-C-A. GRCh37 (hg19) VCF-style: chr2-50847218-C-A.
Other names: c.1382G>T, p.Ser461Ile (NM_001135659.3); c.1238G>T, p.Ser413Ile (NM_001330077.2, NM_001330082.2, NM_001330095.2); c.1223G>T, p.Ser408Ile (NM_001330083.2, NM_001330084.2); c.1262G>T, p.Ser421Ile (NM_001330085.2, NM_001330086.2, NM_004801.6); c.1178G>T, p.Ser393Ile (NM_001330087.2, NM_001330096.2); c.1208G>T, p.Ser403Ile (NM_001330088.2); c.1259G>T, p.Ser420Ile (NM_001330093.2); c.1250G>T, p.Ser417Ile (NM_001330094.2); short protein forms S393I, S403I, S408I, S413I, S417I, S420I, S421I, S461I.
Identifiers: ClinVar variation 3389846 (VCV003389846.14).

ClinVar aggregate classification (germline): Uncertain significance (1 of 4 stars; one submission).

Submission:

CeGaT Center for Human Genetics Tuebingen
Classification: Uncertain significance. Last evaluated: 2024-10-01. Review status: criteria provided, single submitter. Criteria: CeGaT Center For Human Genetics Tuebingen Variant Classification Criteria Version 2. Collection method: clinical testing. Allele origin: germline. Affected: yes. Observed: 1 variant allele.
Comment: NRXN1: PM2, PP3